The following is an entry in ClinVar:

ClinVar aggregate classification (germline): Uncertain significance (1 of 4 stars; one submission).

gnomAD v4.1: 9 of 1,611,346 alleles (0.00056%); highest among the groups gnomAD compares: Non-Finnish European, 0.00076%; no homozygotes.

Submission:

Labcorp Genetics (formerly Invitae), Labcorp
Classification: Uncertain significance. Last evaluated: 2022-11-01. Review status: criteria provided, single submitter. Criteria: Invitae Variant Classification Sherloc (09022015). Collection method: clinical testing. Allele origin: germline.
Comment: This sequence change replaces phenylalanine, which is neutral and non-polar, with leucine, which is neutral and non-polar, at codon 8 of the TUBGCP6 protein (p.Phe8Leu). This variant is present in population databases (rs5771270, gnomAD 0.002%). This variant has not been reported in the literature in individuals affected with TUBGCP6-related conditions. ClinVar contains an entry for this variant (Variation ID: 1424215). Algorithms developed to predict the effect of missense changes on protein structure and function output the following: SIFT: "Tolerated"; PolyPhen-2: "Benign"; Align-GVGD: "Class C0". The leucine amino acid residue is found in multiple mammalian species, which suggests that this missense change does not adversely affect protein function. In summary, the available evidence is currently insufficient to determine the role of this variant in disease. Therefore, it has been classified as a Variant of Uncertain Significance.

NM_020461.4(TUBGCP6):c.24C>G (p.Phe8Leu)

Gene: TUBGCP6 (tubulin gamma complex component 6; minus strand). Cytogenetic location: 22q13.33.
Variant type: single nucleotide variant.
Coding change: c.24C>G on transcript NM_020461.4 (MANE Select); coding-DNA position 24, C replaced by G.
Protein change: p.Phe8Leu; replaces phenylalanine 8 with leucine.
Molecular consequence: missense variant.
Genome position (GRCh38, 1-based): chr22:50,244,436, G>C on the plus strand (C>G on the coding strand, the complement: TUBGCP6 is on the minus strand). VCF-style: chr22-50244436-G-C. GRCh37 (hg19) VCF-style: chr22-50682865-G-C.
Other names: short protein forms F8L.
Identifiers: ClinVar variation 1424215 (VCV001424215.8), dbSNP rs5771270, ClinGen allele CA10309144.